The following is an entry in ClinVar:

NR_033294.2(SNORD118):n.12G>A

Genes: SNORD118 (small nucleolar RNA, C/D box 118; minus strand), TMEM107 (transmembrane protein 107; minus strand). Cytogenetic location: 17p13.1.
Variant type: single nucleotide variant.
Molecular consequence: non-coding transcript variant (on NR_033294.2). On other transcripts: 3 prime UTR variant (5).
Genome position: GRCh38 VCF-style: chr17-8173577-C-T. GRCh37 (hg19) VCF-style: chr17-8076895-C-T.
Other names: c.*626G>A (NM_001351278.2, NM_001351279.2, NM_001351280.2 and 2 more transcripts).
Identifiers: ClinVar variation 1465682 (VCV001465682.6), dbSNP rs527939991, ClinGen allele CA8370829.
Genomic context (GRCh38, chr17:8,173,577, plus strand): 5'-TGCATCTCCAATCATCATGTTCTAATCTGCCCTCCGGAGGAGGAACAGGTAAGGATTATC[C>T]CACCTGACGATACAGACAAACAGCCGACATTCTGCACTCAGTGAAAAAGATTCCGTTACA-3'

ClinVar aggregate classification (germline): Uncertain significance (1 of 4 stars; one submission).

Allele frequency attached by ClinVar (database versions not stated): ExAC 0.00005; gnomAD exomes 0.00008; 1000 Genomes Project 0.00020; 1000 Genomes Project 30x 0.00031.
gnomAD v4.1: 85 of 764,586 alleles (0.011%); highest among the groups gnomAD compares: Middle Eastern, 0.068%; no homozygotes.

Submission:

Labcorp Genetics (formerly Invitae), Labcorp
Classification: Uncertain significance. Last evaluated: 2022-10-17. Review status: criteria provided, single submitter. Criteria: Invitae Variant Classification Sherloc (09022015). Collection method: clinical testing. Allele origin: germline.
Comment: This variant occurs in the SNORD118 gene, which encodes an RNA molecule that does not result in a protein product. This variant is present in population databases (rs527939991, gnomAD 0.01%). This variant has not been reported in the literature in individuals affected with SNORD118-related conditions. ClinVar contains an entry for this variant (Variation ID: 1465682). Experimental studies and prediction algorithms are not available or were not evaluated, and the functional significance of this variant is currently unknown. In summary, the available evidence is currently insufficient to determine the role of this variant in disease. Therefore, it has been classified as a Variant of Uncertain Significance.